The following is an entry in ClinVar:

NM_000784.4(CYP27A1):c.67del (p.His23fs)

Gene: CYP27A1 (cytochrome P450 family 27 subfamily A member 1; plus strand). Cytogenetic location: 2q35.
Variant type: Deletion.
Coding change: c.67del on transcript NM_000784.4 (MANE Select); coding-DNA position 67, one base deleted (C; older notation c.67delC).
Protein change: p.His23fs; shifts the reading frame from histidine 23.
Molecular consequence: frameshift variant.
Genome position (GRCh38, 1-based): chr2:218,782,249, C deleted; the last of 5 consecutive C bases (chr2:218,782,245-218,782,249); deleting any one gives the same sequence. VCF-style (leftmost placement, unchanged base first): chr2-218782244-GC-G. GRCh37 (hg19) VCF-style: chr2-219646967-GC-G.
Other names: short protein forms H23fs.
Identifiers: ClinVar variation 4065753 (VCV004065753.3).

ClinVar aggregate classification (germline): Likely pathogenic (1 of 4 stars; one submission).

Conditions:
Cholestanol storage disease (CTX). Also called: CEREBRAL CHOLESTERINOSIS; Cerebrotendinous Xanthomatosis; CTX: Cerebrotendinous xanthomatosis. Identifiers: Orphanet 909, MedGen C0238052, MONDO:0008948, OMIM 213700.

Submission:

Natera, Inc.
Classification: Likely pathogenic for Cerebrotendinous xanthomatosis. Last evaluated: 2025-02-19. Review status: criteria provided, single submitter. Criteria: Natera Variant Classification Schema (03/2026). Collection method: clinical testing. Allele origin: germline.
Comment: The c.67del variant in CYP27A1 is a frameshift variant predicted to shift the reading frame beginning at codon 23 and leads to a stop codon 35 codons downstream. This variant is expected to result in nonsense mediated decay, truncation, or a dysfunctional protein product. This variant is rare in the general population with a frequency below the threshold expected for the associated phenotype(s). Given the available evidence, this variant is classified as Likely Pathogenic.